The following is an entry in ClinVar:

NC_000002.11:g.(?_73659306)_(73659439_?)dup

Gene: ALMS1 (ALMS1 centrosome and basal body associated protein; plus strand). Cytogenetic location: 2p13.1.
Variant type: Duplication.
Identifiers: ClinVar variation 3247156 (VCV003247156.1).

ClinVar aggregate classification (germline): Likely pathogenic (1 of 4 stars; one submission).

Conditions:
Alstrom syndrome (ALMS). Identifiers: Orphanet 64, MedGen C0268425, MONDO:0008763, OMIM 203800.

Submission:

Labcorp Genetics (formerly Invitae), Labcorp
Classification: Likely pathogenic for Alstrom syndrome. Last evaluated: 2024-01-17. Review status: criteria provided, single submitter. Criteria: Invitae Variant Classification Sherloc (09022015). Collection method: clinical testing. Allele origin: unknown.
Comment: This variant results in a copy number gain of the genomic region encompassing exon(s) 7 of the ALMS1 gene. While the exact position of this variant cannot be determined from the data, sub-genic copy number gains are generally in tandem (PMID: 25640679). This variant is predicted to be out-of-frame, and may result in an absent or disrupted protein product. Loss-of-function variants in ALMS1 are known to be pathogenic (PMID: 17594715). This variant has not been reported in the literature in individuals affected with ALMS1-related conditions. In summary, the currently available evidence indicates that the variant is pathogenic, but additional data are needed to prove that conclusively. Therefore, this variant has been classified as Likely Pathogenic.

Literature cited by the submitters: PubMed 25640679; PubMed 17594715.